The following is an entry in ClinVar:

NM_001364905.1(LRBA):c.8010C>A (p.Asn2670Lys)

Gene: LRBA (LPS responsive beige-like anchor protein; minus strand). Cytogenetic location: 4q31.3.
Variant type: single nucleotide variant.
Coding change: c.8010C>A on transcript NM_001364905.1 (MANE Select); coding-DNA position 8010, C replaced by A.
Protein change: p.Asn2670Lys; replaces asparagine 2670 with lysine.
Molecular consequence: missense variant.
Genome position (GRCh38, 1-based): chr4:150,302,632, G>T on the plus strand (C>A on the coding strand, the complement: LRBA is on the minus strand). VCF-style: chr4-150302632-G-T. GRCh37 (hg19) VCF-style: chr4-151223784-G-T.
Other names: c.8010C>A, p.Asn2670Lys (NM_001199282.3); c.8025C>A, p.Asn2675Lys (NM_001367550.1); c.8043C>A, p.Asn2681Lys (NM_006726.5); short protein forms N2675K, N2670K, N2681K.
Identifiers: ClinVar variation 834187 (VCV000834187.7), dbSNP rs1164607984, ClinGen allele CA358598843.

ClinVar aggregate classification (germline): Uncertain significance (1 of 4 stars; one submission).

Conditions:
Combined immunodeficiency due to LRBA deficiency. Also called: Common variable immunodeficiency 8, with autoimmunity. Identifiers: Orphanet 445018, MedGen C3553512, MONDO:0013863, OMIM 614700.

Allele frequency attached by ClinVar (database versions not stated): gnomAD 0.00001; gnomAD exomes 0.00001; TOPMed 0.00001.
gnomAD v4.1: 16 of 1,603,862 alleles (0.001%); highest among the groups gnomAD compares: East Asian, 0.0022%; no homozygotes.

Submission:

Labcorp Genetics (formerly Invitae), Labcorp
Classification: Uncertain significance for Combined immunodeficiency due to LRBA deficiency. Last evaluated: 2021-08-27. Review status: criteria provided, single submitter. Criteria: Invitae Variant Classification Sherloc (09022015). Collection method: clinical testing. Allele origin: germline.
Comment: This sequence change replaces asparagine with lysine at codon 2681 of the LRBA protein (p.Asn2681Lys). The asparagine residue is weakly conserved and there is a moderate physicochemical difference between asparagine and lysine. This variant is not present in population databases (ExAC no frequency). This variant has not been reported in the literature in individuals affected with LRBA-related conditions. Algorithms developed to predict the effect of missense changes on protein structure and function are either unavailable or do not agree on the potential impact of this missense change (SIFT: "Tolerated"; PolyPhen-2: "Probably Damaging"; Align-GVGD: "Class C0"). In summary, the available evidence is currently insufficient to determine the role of this variant in disease. Therefore, it has been classified as a Variant of Uncertain Significance.